The following is an entry in ClinVar:

NM_000179.3(MSH6):c.182C>T (p.Ala61Val)

Gene: MSH6 (mutS homolog 6; plus strand). Cytogenetic location: 2p16.3.
Variant type: single nucleotide variant.
Coding change: c.182C>T on transcript NM_000179.3 (MANE Select); coding-DNA position 182, C replaced by T.
Protein change: p.Ala61Val; replaces alanine 61 with valine.
Molecular consequence: missense variant. On other transcripts: 5 prime UTR variant (1).
Genome position (GRCh38, 1-based): chr2:47,783,415, C>T. VCF-style: chr2-47783415-C-T. GRCh37 (hg19) VCF-style: chr2-48010554-C-T.
Other names: c.182C>T, p.Ala61Val (NM_001281492.2); c.-555C>T (NM_001281493.2); short protein forms A61V.
Identifiers: ClinVar variation 630499 (VCV000630499.23), dbSNP rs572336612, ClinGen allele CA068179.

ClinVar aggregate classification (germline): Conflicting classifications of pathogenicity. Review status: criteria provided, conflicting classifications (1 of 4 stars). 7 submissions from 7 submitters: Uncertain significance (1); Benign (2); Likely benign (4). Last evaluated 2026-05-20.

Conditions:
MSH6-related disorder. Also called: MSH6-related condition; MSH6-Related disorders.
Mismatch repair cancer syndrome 3. Identifiers: MedGen C5436807, MONDO:0030841, OMIM 619097.
Hereditary nonpolyposis colorectal neoplasms. Identifiers: MedGen C0009405, MeSH D003123.
Hereditary cancer-predisposing syndrome. Also called: Neoplastic Syndromes, Hereditary; Tumor predisposition; Hereditary neoplastic syndrome; Hereditary Cancer Syndrome. Identifiers: Orphanet 140162, MedGen C0027672, MeSH D009386, MONDO:0015356.

Allele frequency attached by ClinVar (database versions not stated): gnomAD 0.00001 and 0.00003; TOPMed 0.00001; gnomAD exomes 0.00008; ExAC 0.00028.
gnomAD v4.1: 56 of 1,519,890 alleles (0.0037%); highest among the groups gnomAD compares: South Asian, 0.061%; no homozygotes.

Submissions (7):

PreventionGenetics, part of Exact Sciences
Classification: Likely benign for MSH6-related condition. Last evaluated: 2026-05-20. Review status: criteria provided, single submitter. Criteria: ACMG Guidelines, 2015. Collection method: clinical testing. Allele origin: germline.
Comment: This variant is classified as likely benign based on ACMG/AMP sequence variant interpretation guidelines (Richards et al. 2015 PMID: 25741868, with internal and published modifications).

Labcorp Genetics (formerly Invitae), Labcorp
Classification: Benign for Hereditary nonpolyposis colorectal neoplasms. Last evaluated: 2026-01-16. Review status: criteria provided, single submitter. Criteria: Invitae Variant Classification Sherloc (09022015). Collection method: clinical testing. Allele origin: germline.

Center for Genomic Medicine, Rigshospitalet, Copenhagen University Hospital
Classification: Likely benign. Last evaluated: 2025-12-29. Review status: criteria provided, single submitter. Criteria: ACMG Guidelines, 2015. Collection method: clinical testing. Allele origin: germline.
Comment: Classification criteria: BS1, BP4

Color Diagnostics, LLC DBA Color Health
Classification: Benign for Hereditary cancer-predisposing syndrome. Last evaluated: 2024-10-09. Review status: criteria provided, single submitter. Criteria: ACMG Guidelines, 2015. Collection method: clinical testing. Allele origin: germline.

Ambry Genetics
Classification: Likely benign for Hereditary cancer-predisposing syndrome. Last evaluated: 2022-04-06. Review status: criteria provided, single submitter. Criteria: Ambry Variant Classification Scheme 2023. Collection method: clinical testing. Allele origin: germline.

Department of Pathology and Laboratory Medicine, Sinai Health System
Classification: Uncertain significance for Mismatch repair cancer syndrome 3. Last evaluated: 2021-01-12. Review status: criteria provided, single submitter. Criteria: ACMG Guidelines, 2015. Collection method: clinical testing. Allele origin: germline. Affected: yes.

GeneDx
Classification: Likely benign. Last evaluated: 2019-07-12. Review status: criteria provided, single submitter. Criteria: GeneDx Variant Classification Process June 2021. Collection method: clinical testing. Allele origin: germline. Affected: yes.